The following is an entry in ClinVar:

NM_001814.6(CTSC):c.757+3A>G

Gene: CTSC (cathepsin C; minus strand). Cytogenetic location: 11q14.2.
Variant type: single nucleotide variant.
Coding change: c.757+3A>G on transcript NM_001814.6 (MANE Select); 3 bases into the intron after coding-DNA position 757, A replaced by G.
Molecular consequence: intron variant.
Genome position (GRCh38, 1-based): chr11:88,300,527, T>C on the plus strand (A>G on the coding strand, the complement: CTSC is on the minus strand). VCF-style: chr11-88300527-T-C. GRCh37 (hg19) VCF-style: chr11-88033695-T-C.
Identifiers: ClinVar variation 1908336 (VCV001908336.2), dbSNP rs1298595745, ClinGen allele CA600764766.

ClinVar aggregate classification (germline): Uncertain significance (1 of 4 stars; one submission).

Conditions:
Periodontitis, aggressive. Identifiers: MedGen C0031106, MONDO:0980757.
Papillon-Lefèvre syndrome (PALS). Also called: KERATOSIS PALMOPLANTARIS WITH PERIODONTOPATHIA; Papillon-Lefevre Disease. Identifiers: Orphanet 678, MedGen C0030360, MONDO:0009490, OMIM 245000.
Haim-Munk syndrome (HMS). Also called: COCHIN JEWISH DISORDER; KERATOSIS PALMOPLANTARIS WITH PERIODONTOPATHIA AND ONYCHOGRYPOSIS. Identifiers: Orphanet 2342, MedGen C1855627, MONDO:0009491, OMIM 245010.

Allele frequency attached by ClinVar (database versions not stated): gnomAD exomes below 0.00001; gnomAD 0.00001.
gnomAD v4.1: 5 of 1,572,160 alleles (0.00032%); highest among the groups gnomAD compares: Admixed American, 0.0017%; no homozygotes.

Submission:

Labcorp Genetics (formerly Invitae), Labcorp
Classification: Uncertain significance for Haim-Munk syndrome; Periodontitis, aggressive; Papillon-Lefèvre syndrome. Last evaluated: 2021-12-02. Review status: criteria provided, single submitter. Criteria: Invitae Variant Classification Sherloc (09022015). Collection method: clinical testing. Allele origin: germline.
Comment: This sequence change falls in intron 5 of the CTSC gene. It does not directly change the encoded amino acid sequence of the CTSC protein. It affects a nucleotide within the consensus splice site. This variant is present in population databases (no rsID available, gnomAD 0.003%). This variant has not been reported in the literature in individuals affected with CTSC-related conditions. Variants that disrupt the consensus splice site are a relatively common cause of aberrant splicing (PMID: 17576681, 9536098). Experimental studies and prediction algorithms are not available or were not evaluated, and the effect of this variant on mRNA splicing is currently unknown. In summary, the available evidence is currently insufficient to determine the role of this variant in disease. Therefore, it has been classified as a Variant of Uncertain Significance.

Literature cited by the submitters: PubMed 17576681; PubMed 9536098.